The following is an entry in ClinVar:

ClinVar aggregate classification (germline): Uncertain significance. Review status: criteria provided, multiple submitters, no conflicts (2 of 4 stars). 2 submissions from 2 submitters: Uncertain significance (2). Last evaluated 2025-04-09.

Conditions:
Cardiovascular phenotype. Identifiers: MedGen CN230736.
Cardiomyopathy (CMYO). Also called: Cardiomyopathies. Identifiers: Orphanet 167848, MedGen C0878544, MONDO:0004994, HP:0001638. Inheritance: Various modes of inheritance.

Allele frequency attached by ClinVar (database versions not stated): gnomAD exomes below 0.00001; gnomAD 0.00001; TOPMed 0.00002.
gnomAD v4.1: 7 of 1,613,484 alleles (0.00043%); highest among the groups gnomAD compares: Non-Finnish European, 0.00051%; no homozygotes.

Submissions (2):

Molecular Diagnostic Laboratory for Inherited Cardiovascular Disease, Montreal Heart Institute
Classification: Uncertain significance for Cardiovascular phenotype. Last evaluated: 2025-04-09. Review status: criteria provided, single submitter. Criteria: ACMG Guidelines, 2015. Collection method: clinical testing. Allele origin: germline. Affected: yes.
Comment: PM2

CHEO Genetics Diagnostic Laboratory, Children's Hospital of Eastern Ontario
Classification: Uncertain significance for Cardiomyopathy. Last evaluated: 2017-12-01. Review status: criteria provided, single submitter. Criteria: ACMG Guidelines, 2015. Collection method: clinical testing. Allele origin: germline.

NM_001103.4(ACTN2):c.*10T>C

Gene: ACTN2 (actinin alpha 2; plus strand). Cytogenetic location: 1q43.
Variant type: single nucleotide variant.
Coding change: c.*10T>C on transcript NM_001103.4 (MANE Select); 10 bases downstream of the stop codon, T replaced by C.
Molecular consequence: 3 prime UTR variant.
Genome position (GRCh38, 1-based): chr1:236,762,629, T>C. VCF-style: chr1-236762629-T-C. GRCh37 (hg19) VCF-style: chr1-236925929-T-C.
Other names: c.*10T>C (NM_001278343.2, NM_001278344.2, NM_001103.3).
Identifiers: ClinVar variation 915740 (VCV000915740.3), dbSNP rs991306355, ClinGen allele CA39748440.